The following is an entry in ClinVar:

ClinVar aggregate classification (germline): Uncertain significance. Review status: criteria provided, multiple submitters, no conflicts (2 of 4 stars). 3 submissions from 3 submitters: Uncertain significance (3). Last evaluated 2024-01-02.

Conditions:
Xanthinuria type II. Also called: Xanthine dehydrogenase and aldehyde oxidase combined deficiency of; XDH and AOX dual deficiency. Identifiers: Orphanet 3467, Orphanet 93602, MedGen C1863688, MONDO:0011346, OMIM 603592.
Hereditary xanthinuria type 1 (XAN1). Identifiers: Orphanet 3467, Orphanet 93601, MedGen C0268118, MONDO:0010209, OMIM 278300.

Allele frequency attached by ClinVar (database versions not stated): ExAC 0.00003; gnomAD 0.00003 and 0.00004; gnomAD exomes 0.00004; TOPMed 0.00006.
gnomAD v4.1: 26 of 1,614,108 alleles (0.0016%); highest among the groups gnomAD compares: African/African-American, 0.012%; no homozygotes.

Submissions (3):

Blueprint Genetics
Classification: Uncertain significance. Last evaluated: 2024-01-02. Review status: criteria provided, single submitter. Criteria: ACMG Guidelines, 2015. Collection method: clinical testing. Allele origin: germline.

Labcorp Genetics (formerly Invitae), Labcorp
Classification: Uncertain significance for Xanthinuria type II. Last evaluated: 2022-08-19. Review status: criteria provided, single submitter. Criteria: Invitae Variant Classification Sherloc (09022015). Collection method: clinical testing. Allele origin: germline.
Comment: Algorithms developed to predict the effect of missense changes on protein structure and function (SIFT, PolyPhen-2, Align-GVGD) all suggest that this variant is likely to be disruptive. In summary, the available evidence is currently insufficient to determine the role of this variant in disease. Therefore, it has been classified as a Variant of Uncertain Significance. ClinVar contains an entry for this variant (Variation ID: 1472312). This variant has not been reported in the literature in individuals affected with XDH-related conditions. This variant is present in population databases (rs755782316, gnomAD 0.01%). This sequence change replaces glutamic acid, which is acidic and polar, with lysine, which is basic and polar, at codon 925 of the XDH protein (p.Glu925Lys).

Fulgent Genetics
Classification: Uncertain significance for Hereditary xanthinuria type 1. Last evaluated: 2022-02-25. Review status: criteria provided, single submitter. Criteria: ACMG Guidelines, 2015. Collection method: clinical testing. Allele origin: unknown.

NM_000379.4(XDH):c.2773G>A (p.Glu925Lys)

Gene: XDH (xanthine dehydrogenase; minus strand). Cytogenetic location: 2p23.1.
Variant type: single nucleotide variant.
Coding change: c.2773G>A on transcript NM_000379.4 (MANE Select); coding-DNA position 2773, G replaced by A.
Protein change: p.Glu925Lys; replaces glutamic acid 925 with lysine.
Molecular consequence: missense variant.
Genome position (GRCh38, 1-based): chr2:31,350,082, C>T on the plus strand (G>A on the coding strand, the complement: XDH is on the minus strand). VCF-style: chr2-31350082-C-T. GRCh37 (hg19) VCF-style: chr2-31572948-C-T.
Other names: short protein forms E925K.
Identifiers: ClinVar variation 1472312 (VCV001472312.10), dbSNP rs755782316, ClinGen allele CA1598686.